The following is an entry in ClinVar:

NM_000407.5(GP1BB):c.283T>C (p.Cys95Arg)

Genes: GP1BB (glycoprotein Ib platelet subunit beta; plus strand), SEPT5-GP1BB (SEPT5-GP1BB readthrough; plus strand). Cytogenetic location: 22q11.21.
Variant type: single nucleotide variant.
Coding change: c.283T>C on transcript NM_000407.5 (MANE Select); coding-DNA position 283, T replaced by C.
Protein change: p.Cys95Arg; replaces cysteine 95 with arginine.
Molecular consequence: missense variant. On other transcripts: non-coding transcript variant (2).
Genome position (GRCh38, 1-based): chr22:19,724,126, T>C. VCF-style: chr22-19724126-T-C. GRCh37 (hg19) VCF-style: chr22-19711649-T-C.
Other names: short protein forms C95R.
Identifiers: ClinVar variation 4536769 (VCV004536769.1).

ClinVar aggregate classification (germline): Uncertain significance (1 of 4 stars; one submission).

Submission:

Women's Health and Genetics/Laboratory Corporation of America, LabCorp
Classification: Uncertain significance. Last evaluated: 2025-11-12. Review status: criteria provided, single submitter. Criteria: LabCorp Variant Classification Summary - May 2015. Collection method: clinical testing. Allele origin: germline.
Comment: Variant summary: GP1BB c.283T>C (p.Cys95Arg) results in a non-conservative amino acid change in the encoded protein sequence. Algorithms developed to predict the effect of missense changes on protein structure and function all suggest that this variant is likely to be disruptive. The frequency data for this variant in gnomAD is considered unreliable, as metrics indicate poor data quality at this position. To our knowledge, no occurrence of c.283T>C in individuals affected with GP1BB-related conditions and no experimental evidence demonstrating its impact on protein function have been reported. No submitters have cited clinical-significance assessments for this variant to ClinVar. Based on the evidence outlined above, the variant was classified as uncertain significance.